The following is an entry in ClinVar:

NM_001377142.1(PLCB4):c.1749C>T (p.Tyr583=)

Gene: PLCB4 (phospholipase C beta 4; plus strand). Cytogenetic location: 20p12.2.
Variant type: single nucleotide variant.
Coding change: c.1749C>T on transcript NM_001377142.1 (MANE Select); coding-DNA position 1749, C replaced by T.
Protein change: p.Tyr583=; no amino-acid change (tyrosine 583 retained).
Molecular consequence: synonymous variant.
Genome position (GRCh38, 1-based): chr20:9,408,018, C>T. VCF-style: chr20-9408018-C-T. GRCh37 (hg19) VCF-style: chr20-9388665-C-T.
Other names: c.1713C>T, p.Tyr571= (NM_000933.4, NM_001377134.2, NM_001377135.1 and 2 more transcripts); c.1749C>T, p.Tyr583= (NM_001172646.2, NM_001377143.1).
Identifiers: ClinVar variation 339568 (VCV000339568.10), dbSNP rs149835904, ClinGen allele CA9761194.
Genomic context (GRCh38, chr20:9,408,018, plus strand): 5'-TTATAAATATGTAGGTGCTACCACTAATATCCATCCATATTTGTCCACAATGATCAACTA[C>T]GCCCAGCCTGTAAAGTTTCAAGGTTTCCATGTGGCAGAAGGTAACACCAAAGGTTAAATG-3'
Protein context (NP_001364071.1, residues 573-593): IHPYLSTMIN[Tyr583=]AQPVKFQGFH

ClinVar aggregate classification (germline): Benign/Likely benign. Review status: criteria provided, multiple submitters, no conflicts (2 of 4 stars). 3 submissions from 3 submitters: Benign (2); Likely benign (1). Last evaluated 2024-12-16.

Conditions:
Auriculocondylar syndrome 2 (ARCND2A). Also called: AURICULOCONDYLAR SYNDROME 2A. Identifiers: Orphanet 137888, MedGen C3553404, MONDO:0013845, OMIM 614669.

Allele frequency attached by ClinVar (database versions not stated): gnomAD 0.00005 and 0.00006; gnomAD exomes 0.00008 and 0.00013; TOPMed 0.00009; ExAC 0.00011; ESP Exome Variant Server 0.00015.
gnomAD v4.1: 137 of 1,613,412 alleles (0.0085%); highest among the groups gnomAD compares: Admixed American, 0.0083%; no homozygotes.

Submissions (3):

Labcorp Genetics (formerly Invitae), Labcorp
Classification: Benign. Last evaluated: 2024-12-16. Review status: criteria provided, single submitter. Criteria: Invitae Variant Classification Sherloc (09022015). Collection method: clinical testing. Allele origin: germline.

Blueprint Genetics
Classification: Likely benign. Last evaluated: 2022-11-18. Review status: criteria provided, single submitter. Criteria: ACMG Guidelines, 2015. Collection method: clinical testing. Allele origin: germline.

Illumina Laboratory Services, Illumina
Classification: Benign for Auriculocondylar syndrome 2. Last evaluated: 2018-01-12. Review status: criteria provided, single submitter. Criteria: ICSL Variant Classification Criteria 13 December 2019. Collection method: clinical testing. Allele origin: germline.
Comment: This variant was observed in the ICSL laboratory as part of a predisposition screen in an ostensibly healthy population. It had not been previously curated by ICSL or reported in the Human Gene Mutation Database (HGMD: prior to June 1st, 2018), and was therefore a candidate for classification through an automated scoring system. Utilizing variant allele frequency, disease prevalence and penetrance estimates, and inheritance mode, an automated score was calculated to assess if this variant is too frequent to cause the disease. Based on the score and internal cut-off values, a variant classified as benign is not then subjected to further curation. The score for this variant resulted in a classification of benign for this disease.